The following is an entry in ClinVar:

NM_001127644.2(GABRA1):c.200A>T (p.Glu67Val)

Gene: GABRA1 (gamma-aminobutyric acid type A receptor subunit alpha1; plus strand). Cytogenetic location: 5q34.
Variant type: single nucleotide variant.
Coding change: c.200A>T on transcript NM_001127644.2 (MANE Select); coding-DNA position 200, A replaced by T.
Protein change: p.Glu67Val; replaces glutamic acid 67 with valine.
Molecular consequence: missense variant.
Genome position (GRCh38, 1-based): chr5:161,865,733, A>T. VCF-style: chr5-161865733-A-T. GRCh37 (hg19) VCF-style: chr5-161292739-A-T.
Other names: c.200A>T, p.Glu67Val (NM_000806.5, NM_001127643.2, NM_001127645.2 and 1 more transcripts); short protein forms E67V.
Identifiers: ClinVar variation 1720708 (VCV001720708.5), dbSNP rs2532225484, ClinGen allele CA362178513.

ClinVar aggregate classification (germline): Uncertain significance (1 of 4 stars; one submission).

Conditions:
Epilepsy, idiopathic generalized, susceptibility to, 13. Also called: EPILEPSY, JUVENILE MYOCLONIC, SUSCEPTIBILITY TO, 5. Identifiers: Orphanet 307, Orphanet 64280, MedGen C4013473, MONDO:0012627, OMIM 611136.
Epilepsy, childhood absence 4 (ECA4). Also called: EPILEPSY, CHILDHOOD ABSENCE, SUSCEPTIBILITY TO, 4. Identifiers: Orphanet 307, MedGen C1970160.
Idiopathic generalized epilepsy. Also called: EIG; Generalised epilepsy. Identifiers: MedGen C0270850, MONDO:0005579, OMIM 600669.

Submission:

Labcorp Genetics (formerly Invitae), Labcorp
Classification: Uncertain significance for Epilepsy, childhood absence 4; Epilepsy, idiopathic generalized, susceptibility to, 13; Idiopathic generalized epilepsy. Last evaluated: 2022-11-14. Review status: criteria provided, single submitter. Criteria: Invitae Variant Classification Sherloc (09022015). Collection method: clinical testing. Allele origin: germline.
Comment: This sequence change replaces glutamic acid, which is acidic and polar, with valine, which is neutral and non-polar, at codon 67 of the GABRA1 protein (p.Glu67Val). This variant is not present in population databases (gnomAD no frequency). This variant has not been reported in the literature in individuals affected with GABRA1-related conditions. Advanced modeling of protein sequence and biophysical properties (such as structural, functional, and spatial information, amino acid conservation, physicochemical variation, residue mobility, and thermodynamic stability) has been performed at Invitae for this missense variant, however the output from this modeling did not meet the statistical confidence thresholds required to predict the impact of this variant on GABRA1 protein function. In summary, the available evidence is currently insufficient to determine the role of this variant in disease. Therefore, it has been classified as a Variant of Uncertain Significance.